The following is an entry in ClinVar:

NM_000207.3(INS):c.187+245C>T

Genes: INS (insulin; minus strand), INS-IGF2 (INS-IGF2 readthrough; minus strand). Cytogenetic location: 11p15.5.
Variant type: single nucleotide variant.
Coding change: c.187+245C>T on transcript NM_000207.3 (MANE Select); 245 bases into the intron after coding-DNA position 187, C replaced by T.
Molecular consequence: intron variant.
Genome position (GRCh38, 1-based): chr11:2,160,540, G>A on the plus strand (C>T on the coding strand, the complement: INS is on the minus strand). VCF-style: chr11-2160540-G-A. GRCh37 (hg19) VCF-style: chr11-2181770-G-A.
Other names: c.187+245C>T (NM_001042376.3, NM_001185097.2, NM_001291897.2 and 1 more transcripts).
Identifiers: ClinVar variation 3035689 (VCV003035689.2), dbSNP rs3842746, ClinGen allele CA216275966.

ClinVar aggregate classification (germline): Likely benign (0 of 4 stars; one submission).

Conditions:
INS-related disorder. Also called: INS-related condition.

Allele frequency attached by ClinVar (database versions not stated): gnomAD 0.00011; TOPMed 0.00012; 1000 Genomes Project 30x 0.00016; 1000 Genomes Project 0.00020.

Submission:

PreventionGenetics, part of Exact Sciences
Classification: Likely benign for INS-related condition. Last evaluated: 2022-03-30. Review status: no assertion criteria provided. Collection method: clinical testing. Allele origin: germline.
Comment: This variant is classified as likely benign based on ACMG/AMP sequence variant interpretation guidelines (Richards et al. 2015 PMID: 25741868, with internal and published modifications).